The following is an entry in ClinVar:

NM_002470.4(MYH3):c.2566G>C (p.Glu856Gln)

Gene: MYH3 (myosin heavy chain 3; minus strand). Cytogenetic location: 17p13.1.
Variant type: single nucleotide variant.
Coding change: c.2566G>C on transcript NM_002470.4 (MANE Select); coding-DNA position 2566, G replaced by C.
Protein change: p.Glu856Gln; replaces glutamic acid 856 with glutamine.
Molecular consequence: missense variant.
Genome position (GRCh38, 1-based): chr17:10,640,112, C>G on the plus strand (G>C on the coding strand, the complement: MYH3 is on the minus strand). VCF-style: chr17-10640112-C-G. GRCh37 (hg19) VCF-style: chr17-10543429-C-G.
Other names: short protein forms E856Q.
Identifiers: ClinVar variation 2959495 (VCV002959495.3), dbSNP rs2074255870, ClinGen allele CA398161926.

ClinVar aggregate classification (germline): Uncertain significance (1 of 4 stars; one submission).

Allele frequency attached by ClinVar (database versions not stated): TOPMed below 0.00001.

Submission:

Labcorp Genetics (formerly Invitae), Labcorp
Classification: Uncertain significance. Last evaluated: 2025-08-18. Review status: criteria provided, single submitter. Criteria: Invitae Variant Classification Sherloc (09022015). Collection method: clinical testing. Allele origin: germline.
Comment: This sequence change replaces glutamic acid, which is acidic and polar, with glutamine, which is neutral and polar, at codon 856 of the MYH3 protein (p.Glu856Gln). This variant is not present in population databases (gnomAD no frequency). This variant has not been reported in the literature in individuals affected with MYH3-related conditions. ClinVar contains an entry for this variant (Variation ID: 2959495). Invitae Evidence Modeling of protein sequence and biophysical properties (such as structural, functional, and spatial information, amino acid conservation, physicochemical variation, residue mobility, and thermodynamic stability) indicates that this missense variant is not expected to disrupt MYH3 protein function with a negative predictive value of 95%. In summary, the available evidence is currently insufficient to determine the role of this variant in disease. Therefore, it has been classified as a Variant of Uncertain Significance.